The following is an entry in ClinVar:

ClinVar aggregate classification (germline): Likely pathogenic (1 of 4 stars; one submission).

Conditions:
Cardiovascular phenotype. Identifiers: MedGen CN230736.

Submission:

Ambry Genetics
Classification: Likely pathogenic for Cardiovascular phenotype. Last evaluated: 2025-08-05. Review status: criteria provided, single submitter. Criteria: Ambry Variant Classification Scheme 2023. Collection method: clinical testing. Allele origin: germline.
Comment: The c.44412delT variant, located in coding exon 153 of the TTN gene, results from a deletion of one nucleotide at nucleotide position 44412, causing a translational frameshift with a predicted alternate stop codon (p.N14804Kfs*8). This exon is located in the A-band region of the N2-B isoform of the titin protein and is constitutively expressed in TTN transcripts (percent spliced in or PSI 100%). This variant is considered to be rare based on population cohorts in the Genome Aggregation Database (gnomAD). This variant is expected to result in loss of function by premature protein truncation or nonsense-mediated mRNA decay. While truncating variants in TTN are present in 1-3% of the general population, truncating variants in the A-band are the most common cause of dilated cardiomyopathy (Herman DS et al. N. Engl. J. Med., 2012 Feb;366:619-28; Roberts AM et al. Sci Transl Med, 2015 Jan;7:270ra6). TTN truncating variants encoded in constitutive exons (PSI >90%) have been found to be significantly associated with DCM regardless of their position in titin (Schafer S et al. Nat. Genet., 2017 01;49:46-53; Akhtar MM et al. Circ Heart Fail, 2020 Oct;13:e006832; Massier M et al. Clin Genet, 2025 Jan). Based on the majority of available evidence to date, this variant is likely to be pathogenic.

NM_001267550.2(TTN):c.71607del (p.Asn23869fs)

Genes: TTN (titin; minus strand), TTN-AS1 (TTN antisense RNA 1; plus strand). Cytogenetic location: 2q31.2.
Variant type: Deletion.
Coding change: c.71607del on transcript NM_001267550.2 (MANE Select); coding-DNA position 71607, one base deleted (T; older notation c.71607delT).
Protein change: p.Asn23869fs; shifts the reading frame from asparagine 23869.
Molecular consequence: frameshift variant.
Genome position (GRCh38, 1-based): chr2:178,574,525, A deleted on the plus strand (T on the coding strand, the reverse complement: TTN is on the minus strand). VCF-style (leftmost placement, unchanged base first): chr2-178574524-CA-C. GRCh37 (hg19) VCF-style: chr2-179439251-CA-C.
Other names: c.66684del, p.Asn22228fs (NM_001256850.1); c.44412del, p.Asn14804fs (NM_003319.4); c.63903del, p.Asn21301fs (NM_133378.4); c.44787del, p.Asn14929fs (NM_133432.3); c.44988del, p.Asn14996fs (NM_133437.4); c.44412delT (NM_003319.4); short protein forms N14929fs, N14996fs, N21301fs, N14804fs, N22228fs, N23869fs.
Identifiers: ClinVar variation 4193741 (VCV004193741.1).